The following is an entry in ClinVar:

NM_017849.4(TMEM127):c.522C>T (p.Ala174=)

Gene: TMEM127 (transmembrane protein 127; minus strand). Cytogenetic location: 2q11.2.
Variant type: single nucleotide variant.
Coding change: c.522C>T on transcript NM_017849.4 (MANE Select); coding-DNA position 522, C replaced by T.
Protein change: p.Ala174=; no amino-acid change (alanine 174 retained).
Molecular consequence: synonymous variant.
Genome position (GRCh38, 1-based): chr2:96,254,003, G>A on the plus strand (C>T on the coding strand, the complement: TMEM127 is on the minus strand). VCF-style: chr2-96254003-G-A. GRCh37 (hg19) VCF-style: chr2-96919741-G-A.
Other names: c.522C>T, p.Ala174= (NM_001193304.3).
Identifiers: ClinVar variation 413243 (VCV000413243.18), dbSNP rs367951215, ClinGen allele CA1777289.
Genomic context (GRCh38, chr2:96,254,003, plus strand): 5'-GTTGGCTGCCGTGGCCAGGATTGAGGCTCCACCAGCTCCTGCCACCAGGTAGAAGCTAAC[G>A]GCGAAGGTGACATAGACCTGGGATCCATGGTACTTCTTATGCTGCTGCTGCTGGGCCAAG-3'
Protein context (NP_060319.1, residues 164-184): YHGSQVYVTF[Ala174=]VSFYLVAGAG

ClinVar aggregate classification (germline): Benign/Likely benign. Review status: criteria provided, multiple submitters, no conflicts (2 of 4 stars). 4 submissions from 4 submitters: Benign (1); Likely benign (3). Last evaluated 2026-07-30.

Conditions:
Hereditary cancer-predisposing syndrome. Also called: Hereditary Cancer Syndrome; Hereditary neoplastic syndrome; Neoplastic Syndromes, Hereditary; Tumor predisposition. Identifiers: Orphanet 140162, MedGen C0027672, MeSH D009386, MONDO:0015356.
TMEM127-related disorder. Also called: TMEM127-related condition.
Hereditary pheochromocytoma and paraganglioma. Also called: Hereditary Paraganglioma-Pheochromocytoma Syndromes; Hereditary paragangliomas and pheochromocytomas; Hereditary pheochromocytoma-paraganglioma. Identifiers: Orphanet 29072, MedGen C4274332, MONDO:0017366.

Allele frequency attached by ClinVar (database versions not stated): TOPMed 0.00005; gnomAD 0.00012 and 0.00009; ESP Exome Variant Server 0.00015; 1000 Genomes Project 30x 0.00016; 1000 Genomes Project 0.00020; ExAC 0.00006; gnomAD exomes 0.00004.
gnomAD v4.1: 85 of 1,614,136 alleles (0.0053%); highest among the groups gnomAD compares: South Asian, 0.033%; no homozygotes.

Submissions (4):

Myriad Genetics, Inc.
Classification: Benign for Hereditary pheochromocytoma and paraganglioma. Last evaluated: 2026-07-30. Review status: criteria provided, single submitter. Criteria: Myriad Autosomal Dominant, Autosomal Recessive and X-Linked Classification Criteria (2023). Collection method: clinical testing. Allele origin: unknown.
Comment: This variant is considered benign. This variant is a silent/synonymous amino acid change and it is not expected to impact splicing.

PreventionGenetics, part of Exact Sciences
Classification: Likely benign for TMEM127-related condition. Last evaluated: 2026-03-03. Review status: criteria provided, single submitter. Criteria: ACMG Guidelines, 2015. Collection method: clinical testing. Allele origin: germline.
Comment: This variant is classified as likely benign based on ACMG/AMP sequence variant interpretation guidelines (Richards et al. 2015 PMID: 25741868, with internal and published modifications).

Labcorp Genetics (formerly Invitae), Labcorp
Classification: Likely benign for Hereditary pheochromocytoma and paraganglioma. Last evaluated: 2026-02-03. Review status: criteria provided, single submitter. Criteria: Invitae Variant Classification Sherloc (09022015). Collection method: clinical testing. Allele origin: germline.

Ambry Genetics
Classification: Likely benign for Hereditary cancer-predisposing syndrome. Last evaluated: 2015-11-02. Review status: criteria provided, single submitter. Criteria: Ambry Variant Classification Scheme 2023. Collection method: clinical testing. Allele origin: germline.